The following is an entry in ClinVar:

NM_000051.4(ATM):c.5496+5G>A

Gene: ATM (ATM serine/threonine kinase; plus strand). Cytogenetic location: 11q22.3.
Variant type: single nucleotide variant.
Coding change: c.5496+5G>A on transcript NM_000051.4 (MANE Select); 5 bases into the intron after coding-DNA position 5496, G replaced by A.
Molecular consequence: intron variant.
Genome position (GRCh38, 1-based): chr11:108,303,034, G>A. VCF-style: chr11-108303034-G-A. GRCh37 (hg19) VCF-style: chr11-108173761-G-A.
Other names: c.5496+5G>A (NM_001351834.2).
Identifiers: ClinVar variation 3657135 (VCV003657135.2).

ClinVar aggregate classification (germline): Uncertain significance (1 of 4 stars; one submission).

Conditions:
Ataxia-telangiectasia syndrome (AT). Also called: LOUIS-BAR SYNDROME; Cerebello-oculocutaneous telangiectasia; Immunodeficiency with ataxia telangiectasia; ATAXIA-TELANGIECTASIA, COMPLEMENTATION GROUP A; ATAXIA-TELANGIECTASIA, FRESNO VARIANT; Ataxia-telangiectasia, complementation group D. Identifiers: Orphanet 100, MedGen C0004135, MONDO:0008840, OMIM 208900.

Submission:

Labcorp Genetics (formerly Invitae), Labcorp
Classification: Uncertain significance for Ataxia-telangiectasia syndrome. Last evaluated: 2024-06-20. Review status: criteria provided, single submitter. Criteria: Invitae Variant Classification Sherloc (09022015). Collection method: clinical testing. Allele origin: germline.
Comment: This sequence change falls in intron 36 of the ATM gene. It does not directly change the encoded amino acid sequence of the ATM protein. It affects a nucleotide within the consensus splice site. This variant is not present in population databases (gnomAD no frequency). This variant has not been reported in the literature in individuals affected with ATM-related conditions. Variants that disrupt the consensus splice site are a relatively common cause of aberrant splicing (PMID: 17576681, 9536098). Algorithms developed to predict the effect of sequence changes on RNA splicing suggest that this variant may disrupt the consensus splice site. In summary, the available evidence is currently insufficient to determine the role of this variant in disease. Therefore, it has been classified as a Variant of Uncertain Significance.

Literature cited by the submitters: PubMed 17576681; PubMed 9536098.